The following is an entry in ClinVar:

ClinVar aggregate classification (germline): Benign (1 of 4 stars; one submission).

gnomAD v4.1: 53,965 of 800,472 alleles (6.7%); highest among the groups gnomAD compares: African/African-American, 12%; 2,579 homozygotes.

Submission:

Mayo Clinic Laboratories, Mayo Clinic
Classification: Benign. Last evaluated: 2023-01-26. Review status: criteria provided, single submitter. Criteria: ACMG Guidelines, 2015. Collection method: clinical testing. Allele origin: germline. Observed: 520 variant alleles.
Comment: BA1, BP4

NM_001365276.2(TNXB):c.12011T>C (p.Met4004Thr)

Genes: TNXB (tenascin XB; minus strand), LOC106780803 (tenascin XB recombination region; plus strand). Cytogenetic location: 6p21.33.
Variant type: single nucleotide variant.
Coding change: c.12011T>C on transcript NM_001365276.2 (MANE Select); coding-DNA position 12011, T replaced by C.
Protein change: p.Met4004Thr; replaces methionine 4004 with threonine.
Molecular consequence: missense variant.
Genome position (GRCh38, 1-based): chr6:32,042,746, A>G on the plus strand (T>C on the coding strand, the complement: TNXB is on the minus strand). VCF-style: chr6-32042746-A-G. GRCh37 (hg19) VCF-style: chr6-32010523-A-G.
Other names: p.Met4002Thr; c.12752T>C, p.Met4251Thr (NM_001428335.1); c.12005T>C, p.Met4002Thr (NM_019105.8); c.1298T>C, p.Met433Thr (NM_032470.4); short protein forms M4002T, M4004T, M4251T, M433T.
Identifiers: ClinVar variation 4684933 (VCV004684933.1).
Genomic context (GRCh38, chr6:32,042,746, plus strand): 5'-TGCGTCCAGGTACCCGTGGTGAAAGAGGTGGACACGGGCGGCAGGAGGCTCTGGCCCCAC[A>G]TGGCCTGGAGCCGTGCATTGTAGGAGGTGGAGGGAAAGAGGCCAAGGAGCTGGTGAGATG-3'
Protein context (NP_001352205.1, residues 3994-4014): STSYNARLQA[Met4004Thr]WGQSLLPPVS